The following is an entry in ClinVar:

ClinVar aggregate classification (germline): Pathogenic (1 of 4 stars; one submission).

Submission:

Labcorp Genetics (formerly Invitae), Labcorp
Classification: Pathogenic. Last evaluated: 2025-05-19. Review status: criteria provided, single submitter. Criteria: Invitae Variant Classification Sherloc (09022015). Collection method: clinical testing. Allele origin: germline.
Comment: This sequence change creates a premature translational stop signal (p.Asp277Glyfs*12) in the ARSG gene. It is expected to result in an absent or disrupted protein product. Loss-of-function variants in ARSG are known to be pathogenic (PMID: 26975023, 34223797). This variant is not present in population databases (gnomAD no frequency). This variant has not been reported in the literature in individuals affected with ARSG-related conditions. ClinVar contains an entry for this variant (Variation ID: 2833004). Algorithms developed to predict the effect of sequence changes on RNA splicing suggest that this variant may disrupt the consensus splice site. For these reasons, this variant has been classified as Pathogenic.

Literature cited by the submitters: PubMed 26975023; PubMed 34223797.

NM_001267727.2(ARSG):c.829dup (p.Asp277fs)

Gene: ARSG (arylsulfatase G; plus strand). Cytogenetic location: 17q24.2.
Variant type: Duplication.
Coding change: c.829dup on transcript NM_001267727.2 (MANE Select); coding-DNA position 829, one base duplicated (G; older notation c.829dupG).
Protein change: p.Asp277fs; shifts the reading frame from aspartic acid 277.
Molecular consequence: frameshift variant.
Genome position (GRCh38, 1-based): chr17:68,368,672, G duplicated; the last of 2 consecutive G bases (chr17:68,368,671-68,368,672); duplicating either gives the same sequence. VCF-style (leftmost placement, unchanged base first): chr17-68368670-T-TG. GRCh37 (hg19) VCF-style: chr17-66364811-T-TG.
Other names: c.829dup, p.Asp277fs (NM_001352899.2, NM_001352900.2, NM_001352901.2 and 3 more transcripts); c.826dup, p.Asp276fs (NM_001352903.2, NM_001352904.2, NM_001352905.2 and 2 more transcripts); c.781dup, p.Asp261fs (NM_001352909.2); short protein forms D276fs, D261fs, D277fs.
Identifiers: ClinVar variation 2833004 (VCV002833004.3), dbSNP rs2510878113, ClinGen allele CA2739268344.
Genomic context (GRCh38, chr17:68,368,670, plus strand): 5'-TGACTCAGCTACCAGCAGCGCCACGGGGCAGAAGCCTGTATGGTGCAGGGCTCTGGGAGA[T>TG]GGACAGTCTGGTGGGCCAGATCAAGGACAAAGTTGACCACACAGTGAAGGAAAACACATT-3'